The following is an entry in ClinVar:

NM_006922.4(SCN3A):c.4859T>A (p.Phe1620Tyr)

Gene: SCN3A (sodium voltage-gated channel alpha subunit 3; minus strand). Cytogenetic location: 2q24.3.
Variant type: single nucleotide variant.
Coding change: c.4859T>A on transcript NM_006922.4 (MANE Select); coding-DNA position 4859, T replaced by A.
Protein change: p.Phe1620Tyr; replaces phenylalanine 1620 with tyrosine.
Molecular consequence: missense variant.
Genome position (GRCh38, 1-based): chr2:165,091,294, A>T on the plus strand (T>A on the coding strand, the complement: SCN3A is on the minus strand). VCF-style: chr2-165091294-A-T. GRCh37 (hg19) VCF-style: chr2-165947804-A-T.
Other names: c.4712T>A, p.Phe1571Tyr (NM_001081676.2, NM_001081677.2); short protein forms F1571Y, F1620Y.
Identifiers: ClinVar variation 3368528 (VCV003368528.1).

ClinVar aggregate classification (germline): Uncertain significance (1 of 4 stars; one submission).

Submission:

GeneDx
Classification: Uncertain significance. Last evaluated: 2024-01-31. Review status: criteria provided, single submitter. Criteria: GeneDx Variant Classification Process June 2021. Collection method: clinical testing. Allele origin: germline. Affected: yes.
Comment: Not observed at significant frequency in large population cohorts (gnomAD); In silico analysis supports that this missense variant has a deleterious effect on protein structure/function; Has not been previously published as pathogenic or benign to our knowledge